The following is an entry in ClinVar:

NM_007294.4(BRCA1):c.2255T>G (p.Leu752Ter)

Gene: BRCA1 (BRCA1 DNA repair associated; minus strand). Cytogenetic location: 17q21.31.
Variant type: single nucleotide variant.
Coding change: c.2255T>G on transcript NM_007294.4 (MANE Select); coding-DNA position 2255, T replaced by G.
Protein change: p.Leu752Ter; replaces leucine 752 with a stop codon.
Molecular consequence: nonsense. On other transcripts: intron variant (137).
Genome position (GRCh38, 1-based): chr17:43,093,276, A>C on the plus strand (T>G on the coding strand, the complement: BRCA1 is on the minus strand). VCF-style: chr17-43093276-A-C. GRCh37 (hg19) VCF-style: chr17-41245293-A-C.
Other names: c.706+1468T>G (NM_001408416.1, NM_001408413.1); c.577+1468T>G (NM_001408484.1, NM_001408478.1, NM_001408514.1 and 9 more transcripts); c.661+1468T>G (NM_001408450.1, NM_001408434.1, NM_001408447.1 and 6 more transcripts); c.784+1468T>G (NM_001408398.1, NM_001407992.1, NM_001408400.1 and 13 more transcripts); c.664+1468T>G (NM_001408440.1, NM_001408428.1, NM_001408437.1 and 12 more transcripts); c.671-2244T>G (NM_001408418.1, NM_001408423.1, NM_001408420.1 and 2 more transcripts); c.787+1468T>G (NM_001407981.1, NM_007298.4, NM_001407978.1 and 17 more transcripts); c.643+1468T>G (NM_001408462.1, NM_001408470.1, NM_001408464.1 and 3 more transcripts); and 41 more; short protein forms L456*, L584*, L624*, L625*, L640*, L641*, L663*, L664*.
Identifiers: ClinVar variation 4867744 (VCV004867744.1).

ClinVar aggregate classification (germline): Pathogenic (1 of 4 stars; one submission).

Conditions:
Hereditary cancer-predisposing syndrome. Also called: Neoplastic Syndromes, Hereditary; Tumor predisposition; Hereditary Cancer Syndrome; Hereditary neoplastic syndrome. Identifiers: Orphanet 140162, MedGen C0027672, MeSH D009386, MONDO:0015356.

Submission:

Ambry Genetics
Classification: Pathogenic for Hereditary cancer-predisposing syndrome. Last evaluated: 2026-05-28. Review status: criteria provided, single submitter. Criteria: Ambry Variant Classification Scheme 2023. Collection method: clinical testing. Allele origin: germline.
Comment: The p.L752* pathogenic mutation (also known as c.2255T>G), located in coding exon 9 of the BRCA1 gene, results from a T to G substitution at nucleotide position 2255. This changes the amino acid from a leucine to a stop codon within coding exon 9. This variant is considered to be rare based on population cohorts in the Genome Aggregation Database (gnomAD). This alteration is expected to result in loss of function by premature protein truncation or nonsense-mediated mRNA decay. As such, this alteration is interpreted as a disease-causing mutation.